The following is an entry in ClinVar:

ClinVar aggregate classification (germline): Conflicting classifications of pathogenicity. Review status: criteria provided, conflicting classifications (1 of 4 stars). 2 submissions from 2 submitters: Uncertain significance (1); Likely benign (1). Last evaluated 2026-03-15.

Conditions:
Familial thoracic aortic aneurysm and aortic dissection (TAAD). Also called: Thoracic aortic aneurysms and dissections. Identifiers: Orphanet 91387, MedGen C4707243, MONDO:0019625.
Ehlers-Danlos syndrome, classic type, 1 (EDSCL1). Also called: EDS I; EHLERS-DANLOS SYNDROME, GRAVIS TYPE; EHLERS-DANLOS SYNDROME, SEVERE CLASSIC TYPE; Ehlers-Danlos syndrome, type 1; Ehlers-Danlos Syndrome, Classic Type, COL5A1-Related. Identifiers: MedGen C0268335, MONDO:0019567, OMIM 130000.

Allele frequency attached by ClinVar (database versions not stated): gnomAD exomes below 0.00001.
gnomAD v4.1: 2 of 1,614,184 alleles (0.00012%); highest among the groups gnomAD compares: Admixed American, 0.0033%; no homozygotes.

Submissions (2):

Ambry Genetics
Classification: Uncertain significance for Familial thoracic aortic aneurysm and aortic dissection. Last evaluated: 2026-03-15. Review status: criteria provided, single submitter. Criteria: Ambry Variant Classification Scheme 2023. Collection method: clinical testing. Allele origin: germline.
Comment: The p.I1611F variant (also known as c.4831A>T), located in coding exon 62 of the COL5A1 gene, results from an A to T substitution at nucleotide position 4831. The isoleucine at codon 1611 is replaced by phenylalanine, an amino acid with highly similar properties. This amino acid position is conserved. In addition, the in silico prediction for this alteration is inconclusive. Based on the available evidence, the clinical significance of this variant remains unclear.

Labcorp Genetics (formerly Invitae), Labcorp
Classification: Likely benign for Ehlers-Danlos syndrome, classic type, 1. Last evaluated: 2022-11-10. Review status: criteria provided, single submitter. Criteria: Invitae Variant Classification Sherloc (09022015). Collection method: clinical testing. Allele origin: germline.

NM_000093.5(COL5A1):c.4831A>T (p.Ile1611Phe)

Genes: COL5A1 (collagen type V alpha 1 chain; plus strand), LOC101448202 (uncharacterized LOC101448202; minus strand). Cytogenetic location: 9q34.3.
Variant type: single nucleotide variant.
Coding change: c.4831A>T on transcript NM_000093.5 (MANE Select); coding-DNA position 4831, A replaced by T.
Protein change: p.Ile1611Phe; replaces isoleucine 1611 with phenylalanine.
Molecular consequence: missense variant.
Genome position (GRCh38, 1-based): chr9:134,824,732, A>T. VCF-style: chr9-134824732-A-T. GRCh37 (hg19) VCF-style: chr9-137716578-A-T.
Other names: c.4831A>T, p.Ile1611Phe (NM_001278074.1); c.4831A>T (NM_000093.3); short protein forms I1611F.
Identifiers: ClinVar variation 2983370 (VCV002983370.4), dbSNP rs754447923, ClinGen allele CA5320488.